The following is an entry in ClinVar:

ClinVar aggregate classification (germline): Benign/Likely benign. Review status: criteria provided, multiple submitters, no conflicts (2 of 4 stars). 3 submissions from 3 submitters: Benign (2); Likely benign (1). Last evaluated 2025-06-06.

Submissions (3):

Labcorp Genetics (formerly Invitae), Labcorp
Classification: Benign. Last evaluated: 2025-06-06. Review status: criteria provided, single submitter. Criteria: Invitae Variant Classification Sherloc (09022015). Collection method: clinical testing. Allele origin: germline.

Laboratory for Molecular Medicine, Mass General Brigham Personalized Medicine
Classification: Benign. Last evaluated: 2015-05-12. Review status: criteria provided, single submitter. Criteria: LMM Criteria. Collection method: clinical testing. Allele origin: germline. Observed: 2 variant alleles.
Comment: c.1298-14_1298-13insT in intron 10 of SLC17A8: This variant is not expected to h ave clinical significance because it has been identified in 1.1% (184/16512) of South Asian chromosomes by the Exome Aggregation Consortium (ExAC; dbSNP rs549225403).

PreventionGenetics, part of Exact Sciences
Classification: Likely benign. Review status: criteria provided, single submitter. Criteria: ACMG Guidelines, 2015. Collection method: clinical testing. Allele origin: germline.

NM_139319.3(SLC17A8):c.1298-14dup

Gene: SLC17A8 (solute carrier family 17 member 8; plus strand). Cytogenetic location: 12q23.1.
Variant type: Duplication.
Coding change: c.1298-14dup on transcript NM_139319.3 (MANE Select); 14 bases into the intron before coding-DNA position 1298, one base duplicated (T; older notation c.1298-14dupT).
Genome position (GRCh38, 1-based): chr12:100,418,015, T duplicated; the last of 4 consecutive T bases (chr12:100,418,012-100,418,015); duplicating any one gives the same sequence. VCF-style (leftmost placement, unchanged base first): chr12-100418011-G-GT. GRCh37 (hg19) VCF-style: chr12-100811789-G-GT.
Other names: c.1148-14dup (NM_001145288.2); c.1298-14dupT (NM_139319.2).
Identifiers: ClinVar variation 179405 (VCV000179405.9), dbSNP rs730880358, ClinGen allele CA184355.